The following is an entry in ClinVar:

NM_000642.3(AGL):c.2569C>T (p.Gln857Ter)

Gene: AGL (amylo-alpha-1,6-glucosidase and 4-alpha-glucanotransferase; plus strand). Cytogenetic location: 1p21.2.
Variant type: single nucleotide variant.
Coding change: c.2569C>T on transcript NM_000642.3 (MANE Select); coding-DNA position 2569, C replaced by T.
Protein change: p.Gln857Ter; replaces glutamine 857 with a stop codon.
Molecular consequence: nonsense.
Genome position (GRCh38, 1-based): chr1:99,884,591, C>T. VCF-style: chr1-99884591-C-T. GRCh37 (hg19) VCF-style: chr1-100350147-C-T.
Other names: c.2569C>T, p.Gln857Ter (NM_001425325.1, NM_001425326.1, NM_000643.3 and 2 more transcripts); c.2521C>T, p.Gln841Ter (NM_000646.3); c.2368C>T, p.Gln790Ter (NM_001425327.1); c.2365C>T, p.Gln789Ter (NM_001425328.1); c.2191C>T, p.Gln731Ter (NM_001425332.1); short protein forms Q841*, Q857*, Q731*, Q789*, Q790*.
Identifiers: ClinVar variation 984277 (VCV000984277.3), dbSNP rs1652306026, ClinGen allele CA341321584.
Genomic context (GRCh38, chr1:99,884,591, plus strand): 5'-CTCCTAAAAATTAACCACTTTTTAATTAACATTTTCAGAGTTAGTCTTGATCCACATGCA[C>T]AAGTCGCTGTTGGAATTCTTCGAAATCATCTGACACAATTCAGTCCTCACTTTAAATCTG-3'

ClinVar aggregate classification (germline): Likely pathogenic (1 of 4 stars; one submission).

Conditions:
Glycogen storage disease type III (GSD3). Also called: Cori disease; FORBES DISEASE. Identifiers: Orphanet 366, MedGen C0017922, MONDO:0009291, OMIM 232400.

Submission:

Myriad Genetics, Inc.
Classification: Likely pathogenic for Glycogen storage disease type III. Last evaluated: 2019-11-27. Review status: criteria provided, single submitter. Criteria: Myriad Women's Health Autosomal Recessive and X-Linked Classification Criteria (2019). Collection method: clinical testing. Allele origin: unknown.
Comment: NM_000642.2(AGL):c.2569C>T(Q857*) is expected to be pathogenic in the context of glycogen storage disease type III. This variant is predicted to lead to an abnormal or absent protein product due to the creation of a premature termination codon in AGL, a gene where loss-of-function variants are known to be pathogenic. Please note: this variant was assessed in the context of healthy population screening.